The following is an entry in ClinVar:

ClinVar aggregate classification (germline): Uncertain significance (1 of 4 stars; one submission).

Conditions:
Inborn genetic diseases. Identifiers: MedGen C0950123, MeSH D030342.

Submission:

Ambry Genetics
Classification: Uncertain significance for Inborn genetic diseases. Last evaluated: 2025-07-28. Review status: criteria provided, single submitter. Criteria: Ambry Variant Classification Scheme 2023. Collection method: clinical testing. Allele origin: germline.
Comment: The p.T95I variant (also known as c.284C>T), located in coding exon 1 of the KDM1A gene, results from a C to T substitution at nucleotide position 284. The threonine at codon 95 is replaced by isoleucine, an amino acid with similar properties. This amino acid position is conserved. In addition, this alteration is predicted to be tolerated by in silico analysis. Based on the available evidence, the clinical significance of this variant remains unclear.

NM_001009999.3(KDM1A):c.284C>T (p.Thr95Ile)

Gene: KDM1A (lysine demethylase 1A; plus strand). Cytogenetic location: 1p36.12.
Variant type: single nucleotide variant.
Coding change: c.284C>T on transcript NM_001009999.3 (MANE Select); coding-DNA position 284, C replaced by T.
Protein change: p.Thr95Ile; replaces threonine 95 with isoleucine.
Molecular consequence: missense variant.
Genome position (GRCh38, 1-based): chr1:23,019,880, C>T. VCF-style: chr1-23019880-C-T. GRCh37 (hg19) VCF-style: chr1-23346373-C-T.
Other names: c.284C>T, p.Thr95Ile (NM_001363654.2, NM_001410762.1, NM_001410763.1 and 1 more transcripts); short protein forms T95I.
Identifiers: ClinVar variation 4091080 (VCV004091080.1).